The following is an entry in ClinVar:

NM_001367549.1(ATP13A3):c.2066C>G (p.Ala689Gly)

Gene: ATP13A3 (ATPase 13A3; minus strand). Cytogenetic location: 3q29.
Variant type: single nucleotide variant.
Coding change: c.2066C>G on transcript NM_001367549.1 (MANE Select); coding-DNA position 2066, C replaced by G.
Protein change: p.Ala689Gly; replaces alanine 689 with glycine.
Molecular consequence: missense variant. On other transcripts: non-coding transcript variant (2).
Genome position (GRCh38, 1-based): chr3:194,437,149, G>C on the plus strand (C>G on the coding strand, the complement: ATP13A3 is on the minus strand). VCF-style: chr3-194437149-G-C. GRCh37 (hg19) VCF-style: chr3-194157878-G-C.
Other names: c.1985C>G, p.Ala662Gly (NM_001374836.1); c.2066C>G, p.Ala689Gly (NM_001437993.1, NM_024524.4); short protein forms A662G, A689G.
Identifiers: ClinVar variation 4772390 (VCV004772390.1).
Genomic context (GRCh38, chr3:194,437,149, plus strand): 5'-CCTCACCTGCTAATATTCTGTACTTTATGCCATGTCAGTTTTGACTCCAATTTTCTGTGT[G>C]CAAGAGCAATCACACGGAAGCCCTGTTTAGTGAAGTCTTCCAAAACGTTTTGAAAATCGA-3'
Protein context (NP_001354478.1, residues 679-699): TKQGFRVIAL[Ala689Gly]HRKLESKLTW

ClinVar aggregate classification (germline): Uncertain significance (1 of 4 stars; one submission).

gnomAD v4.1: 1 of 1,614,064 alleles (0.000062%); highest among the groups gnomAD compares: African/African-American, 0.0013%; no homozygotes.

Submission:

Labcorp Genetics (formerly Invitae), Labcorp
Classification: Uncertain significance. Last evaluated: 2025-12-09. Review status: criteria provided, single submitter. Criteria: Invitae Variant Classification Sherloc (09022015). Collection method: clinical testing. Allele origin: germline.
Comment: This sequence change replaces alanine, which is neutral and non-polar, with glycine, which is neutral and non-polar, at codon 689 of the ATP13A3 protein (p.Ala689Gly). This variant is present in population databases (rs773535658, gnomAD 0.007%). This variant has not been reported in the literature in individuals affected with ATP13A3-related conditions. Invitae Evidence Modeling of protein sequence and biophysical properties (such as structural, functional, and spatial information, amino acid conservation, physicochemical variation, residue mobility, and thermodynamic stability) indicates that this missense variant is not expected to disrupt ATP13A3 protein function with a negative predictive value of 80%. In summary, the available evidence is currently insufficient to determine the role of this variant in disease. Therefore, it has been classified as a Variant of Uncertain Significance.